The following is an entry in ClinVar:

ClinVar aggregate classification (germline): Conflicting classifications of pathogenicity. Review status: criteria provided, conflicting classifications (1 of 4 stars). 2 submissions from 2 submitters: Uncertain significance (1); Likely benign (1). Last evaluated 2023-07-25.

Conditions:
Inborn genetic diseases. Identifiers: MedGen C0950123, MeSH D030342.
Beta-D-mannosidosis (MANSB). Also called: Beta-Mannosidosis; MANNOSIDOSIS, BETA A, LYSOSOMAL; BETA-MANNOSIDASE DEFICIENCY; LYSOSOMAL BETA-MANNOSIDASE DEFICIENCY. Identifiers: Orphanet 118, MedGen C4048196, MONDO:0009562, OMIM 248510.

gnomAD v4.1: 2 of 1,610,786 alleles (0.00012%); highest among the groups gnomAD compares: African/African-American, 0.0013%; no homozygotes.

Submissions (2):

Ambry Genetics
Classification: Likely benign for Inborn genetic diseases. Last evaluated: 2023-07-25. Review status: criteria provided, single submitter. Criteria: Ambry Variant Classification Scheme 2023. Collection method: clinical testing. Allele origin: germline.

Labcorp Genetics (formerly Invitae), Labcorp
Classification: Uncertain significance for Beta-D-mannosidosis. Last evaluated: 2021-11-28. Review status: criteria provided, single submitter. Criteria: Invitae Variant Classification Sherloc (09022015). Collection method: clinical testing. Allele origin: germline.
Comment: This sequence change replaces valine, which is neutral and non-polar, with isoleucine, which is neutral and non-polar, at codon 305 of the MANBA protein (p.Val305Ile). This variant is not present in population databases (gnomAD no frequency). This variant has not been reported in the literature in individuals affected with MANBA-related conditions. Algorithms developed to predict the effect of missense changes on protein structure and function output the following: SIFT: "Tolerated"; PolyPhen-2: "Benign"; Align-GVGD: "Class C0". The isoleucine amino acid residue is found in multiple mammalian species, which suggests that this missense change does not adversely affect protein function. In summary, the available evidence is currently insufficient to determine the role of this variant in disease. Therefore, it has been classified as a Variant of Uncertain Significance.

NM_005908.4(MANBA):c.913G>A (p.Val305Ile)

Gene: MANBA (mannosidase beta; minus strand). Cytogenetic location: 4q24.
Variant type: single nucleotide variant.
Coding change: c.913G>A on transcript NM_005908.4 (MANE Select); coding-DNA position 913, G replaced by A.
Protein change: p.Val305Ile; replaces valine 305 with isoleucine.
Molecular consequence: missense variant.
Genome position (GRCh38, 1-based): chr4:102,689,621, C>T on the plus strand (G>A on the coding strand, the complement: MANBA is on the minus strand). VCF-style: chr4-102689621-C-T. GRCh37 (hg19) VCF-style: chr4-103610778-C-T.
Other names: c.913G>A (NM_005908.3); short protein forms V305I.
Identifiers: ClinVar variation 1519649 (VCV001519649.4), dbSNP rs939795867, ClinGen allele CA357768849.